The following is an entry in ClinVar:

NM_001999.4(FBN2):c.2990-14C>T

Genes: FBN2 (fibrillin 2; minus strand), LOC126807501 (BRD4-independent group 4 enhancer GRCh37_chr5:127680731-127681930; plus strand). Cytogenetic location: 5q23.3.
Variant type: single nucleotide variant.
Coding change: c.2990-14C>T on transcript NM_001999.4 (MANE Select); 14 bases into the intron before coding-DNA position 2990, C replaced by T.
Molecular consequence: intron variant.
Genome position (GRCh38, 1-based): chr5:128,345,598, G>A on the plus strand (C>T on the coding strand, the complement: FBN2 is on the minus strand). VCF-style: chr5-128345598-G-A. GRCh37 (hg19) VCF-style: chr5-127681290-G-A.
Identifiers: ClinVar variation 213225 (VCV000213225.13), dbSNP rs377500777, ClinGen allele CA320774.

ClinVar aggregate classification (germline): Conflicting classifications of pathogenicity. Review status: criteria provided, conflicting classifications (1 of 4 stars). 4 submissions from 4 submitters: Uncertain significance (1); Benign (1); Likely benign (2). Last evaluated 2026-01-27.

Conditions:
Congenital contractural arachnodactyly (CCA). Also called: BEALS SYNDROME; Beals-Hecht syndrome; Arthrogryposis, distal, type 9. Identifiers: Orphanet 115, MedGen C0220668, MONDO:0007363, OMIM 121050.

Allele frequency attached by ClinVar (database versions not stated): ExAC 0.00003; gnomAD exomes 0.00005 and 0.00008; ESP Exome Variant Server 0.00008; TOPMed 0.00009; gnomAD 0.00012.
gnomAD v4.1: 143 of 1,599,334 alleles (0.0089%); highest among the groups gnomAD compares: Middle Eastern, 0.017%; no homozygotes.

Submissions (4):

Labcorp Genetics (formerly Invitae), Labcorp
Classification: Likely benign for Congenital contractural arachnodactyly. Last evaluated: 2026-01-27. Review status: criteria provided, single submitter. Criteria: Invitae Variant Classification Sherloc (09022015). Collection method: clinical testing. Allele origin: germline.

Blueprint Genetics
Classification: Likely benign. Last evaluated: 2024-06-11. Review status: criteria provided, single submitter. Criteria: ACMG Guidelines, 2015. Collection method: clinical testing. Allele origin: germline.

Illumina Laboratory Services, Illumina
Classification: Uncertain significance for Congenital contractural arachnodactyly. Last evaluated: 2018-01-12. Review status: criteria provided, single submitter. Criteria: ICSL Variant Classification Criteria 13 December 2019. Collection method: clinical testing. Allele origin: germline.

GeneDx
Classification: Benign. Last evaluated: 2015-04-06. Review status: criteria provided, single submitter. Criteria: GeneDx Variant Classification (06012015). Collection method: clinical testing. Allele origin: germline. Affected: yes.
Comment: This variant is considered likely benign or benign based on one or more of the following criteria: it is a conservative change, it occurs at a poorly conserved position in the protein, it is predicted to be benign by multiple in silico algorithms, and/or has population frequency not consistent with disease.